The following is an entry in ClinVar:

ClinVar aggregate classification (germline): Likely pathogenic (1 of 4 stars; one submission).

Conditions:
Craniosynostosis 7 (CRS7). Also called: CRANIOSYNOSTOSIS 7, DIGENIC; CRS7, DIGENIC. Identifiers: MedGen C4479496, MONDO:0044315, OMIM 617439.

Submission:

Variantyx, Inc.
Classification: Likely pathogenic for Craniosynostosis 7. Last evaluated: 2025-05-28. Review status: criteria provided, single submitter. Criteria: Variantyx Assertion Criteria 2022. Collection method: clinical testing. Allele origin: germline. Inheritance: Autosomal dominant inheritance. Affected: no.
Comment: This is a frameshift variant in the SMAD6 gene (OMIM: 602931). Pathogenic variants in this gene have been associated with autosomal dominant susceptibility to craniosynostosis 7. This variant introduces a premature termination codon in exon 4 out of 4 and is expected to result in loss of function, which is a known disease mechanism for SMAD6 in this disorder (PMID: 36414630, 34953066) (PVS1). It is absent from control populations (PM2). Based on the current evidence, this variant is classified as likely pathogenic for autosomal dominant susceptibility to craniosynostosis 7 with incomplete penetrance.

Literature cited by the submitters: PubMed 36414630; PubMed 34953066.

NM_005585.5(SMAD6):c.1160dup (p.Gly388fs)

Gene: SMAD6 (SMAD family member 6; plus strand). Cytogenetic location: 15q22.31.
Variant type: Duplication.
Coding change: c.1160dup on transcript NM_005585.5 (MANE Select); coding-DNA position 1160, one base duplicated (T; older notation c.1160dupT).
Protein change: p.Gly388fs; shifts the reading frame from glycine 388.
Molecular consequence: frameshift variant. On other transcripts: non-coding transcript variant (1).
Genome position (GRCh38, 1-based): chr15:66,781,204, T duplicated. VCF-style (leftmost placement, unchanged base first): chr15-66781203-A-AT. GRCh37 (hg19) VCF-style: chr15-67073541-A-AT.
Other names: short protein forms G388fs.
Identifiers: ClinVar variation 4850006 (VCV004850006.1).